The following is an entry in ClinVar:

NM_003647.3(DGKE):c.1354T>G (p.Trp452Gly)

Gene: DGKE (diacylglycerol kinase epsilon; plus strand). Cytogenetic location: 17q22.
Variant type: single nucleotide variant.
Coding change: c.1354T>G on transcript NM_003647.3 (MANE Select); coding-DNA position 1354, T replaced by G.
Protein change: p.Trp452Gly; replaces tryptophan 452 with glycine.
Molecular consequence: missense variant.
Genome position (GRCh38, 1-based): chr17:56,861,860, T>G. VCF-style: chr17-56861860-T-G. GRCh37 (hg19) VCF-style: chr17-54939221-T-G.
Other names: short protein forms W452G.
Identifiers: ClinVar variation 3663419 (VCV003663419.2).

ClinVar aggregate classification (germline): Uncertain significance (1 of 4 stars; one submission).

Submission:

Labcorp Genetics (formerly Invitae), Labcorp
Classification: Uncertain significance. Last evaluated: 2024-10-15. Review status: criteria provided, single submitter. Criteria: Invitae Variant Classification Sherloc (09022015). Collection method: clinical testing. Allele origin: germline.
Comment: This sequence change replaces tryptophan, which is neutral and slightly polar, with glycine, which is neutral and non-polar, at codon 452 of the DGKE protein (p.Trp452Gly). This variant is not present in population databases (gnomAD no frequency). This variant has not been reported in the literature in individuals affected with DGKE-related conditions. Invitae Evidence Modeling of protein sequence and biophysical properties (such as structural, functional, and spatial information, amino acid conservation, physicochemical variation, residue mobility, and thermodynamic stability) indicates that this missense variant is expected to disrupt DGKE protein function with a positive predictive value of 80%. In summary, the available evidence is currently insufficient to determine the role of this variant in disease. Therefore, it has been classified as a Variant of Uncertain Significance.